The following is an entry in ClinVar:

NM_001148.6(ANK2):c.5377_5378del (p.Gly1793fs)

Genes: ANK2 (ankyrin 2; plus strand), LOC126807136 (MED14-independent group 3 enhancer GRCh37_chr4:114274931-114276130; plus strand). Cytogenetic location: 4q26.
Variant type: Deletion.
Coding change: c.5377_5378del on transcript NM_001148.6 (MANE Select); coding-DNA positions 5377 to 5378, 2 bases deleted (GG; older notation c.5377_5378delGG).
Protein change: p.Gly1793fs; shifts the reading frame from glycine 1793.
Molecular consequence: frameshift variant. On other transcripts: intron variant (68).
Genome position (GRCh38, 1-based): chr4:113,353,995-113,353,996, GG deleted. VCF-style (leftmost placement, unchanged base first): chr4-113353994-AGG-A. GRCh37 (hg19) VCF-style: chr4-114275150-AGG-A.
Other names: c.5143_5144del, p.Gly1715fs (NM_001386142.1); c.1777_1778del, p.Gly593fs (NM_001386166.1); c.5518_5519del, p.Gly1840fs (NM_001386174.1); c.5494_5495del, p.Gly1832fs (NM_001386175.1); c.4411+3746_4411+3747del (NM_001386186.2, NM_001386148.2); c.4213+3746_4213+3747del (NM_001354269.3); c.4291+3746_4291+3747del (NM_001386187.2); c.4252+3746_4252+3747del (NM_001386147.1); and 35 more; short protein forms G1715fs, G1793fs, G1832fs, G1840fs, G593fs.
Identifiers: ClinVar variation 1317290 (VCV001317290.3), dbSNP rs2154019523, ClinGen allele CA2573052288.

ClinVar aggregate classification (germline): Likely pathogenic (1 of 4 stars; one submission).

Submission:

GeneDx
Classification: Likely pathogenic. Last evaluated: 2023-10-21. Review status: criteria provided, single submitter. Criteria: GeneDx Variant Classification Process June 2021. Collection method: clinical testing. Allele origin: germline. Affected: yes.
Comment: Frameshift variant predicted to result in protein truncation or nonsense mediated decay in a gene for which loss of function is a known mechanism of disease; Not observed in large population cohorts (gnomAD); Has not been previously published as pathogenic or benign to our knowledge